The following is an entry in ClinVar:

NM_016023.5(OTUD6B):c.83-2A>G

Gene: OTUD6B (OTU deubiquitinase 6B; plus strand). Cytogenetic location: 8q21.3.
Variant type: single nucleotide variant.
Coding change: c.83-2A>G on transcript NM_016023.5 (MANE Select); the canonical splice acceptor site of the intron before coding-DNA position 83, A replaced by G.
Molecular consequence: splice acceptor variant.
Genome position (GRCh38, 1-based): chr8:91,071,136, A>G. VCF-style: chr8-91071136-A-G. GRCh37 (hg19) VCF-style: chr8-92083364-A-G.
Other names: IVS1AS, A-G, -2; c.-361-2A>G (NM_001286745.3); c.83-2A>G (NM_001416022.1).
Identifiers: ClinVar variation 375703 (VCV000375703.2), dbSNP rs1064797102, ClinGen allele CA16616847.

ClinVar aggregate classification (germline): Pathogenic. Review status: criteria provided, single submitter (1 of 4 stars). 2 submissions from 2 submitters: Pathogenic (1). 1 of the submissions does not count toward it. Last evaluated 2017-01-09.

Conditions:
Intellectual developmental disorder with dysmorphic facies, seizures, and distal limb anomalies (IDDFSDA). Identifiers: Orphanet 505237, MedGen C4479520, MONDO:0044319, OMIM 617452.
Dysmorphic features. Identifiers: MedGen C0432072.
Intellectual disability. Also called: intellectual disabilities; Intellectual functioning disability; Intellectual developmental disorder. Identifiers: MedGen C3714756, MeSH D008607, MONDO:0001071, HP:0001249.
Epilepsy. Also called: Seizure disorder. Identifiers: MedGen C0014544, MeSH D004827, MONDO:0005027.

Allele frequency attached by ClinVar (database versions not stated): gnomAD exomes below 0.00001.
gnomAD v4.1: 2 of 1,611,850 alleles (0.00012%); highest among the groups gnomAD compares: Middle Eastern, 0.033%; no homozygotes.

Submissions (2):

Baylor Genetics
Classification: Pathogenic for Intellectual disability; Epilepsy; Dysmorphic features. Last evaluated: 2017-01-09. Review status: criteria provided, single submitter. Criteria: ACMG Guidelines, 2015. Collection method: research. Allele origin: inherited. Inheritance: Autosomal recessive inheritance. Affected: yes. Observed: 2 variant alleles, 2 homozygotes. Clinical features observed: Severe global developmental delay, Absent speech, Seizure, Microcephaly, Flat occiput, Deeply set eye, Long eyelashes, Long philtrum, Thin upper lip vermilion, Macrotia, Toe syndactyly.

OMIM
Classification: Pathogenic for INTELLECTUAL DEVELOPMENTAL DISORDER WITH DYSMORPHIC FACIES, SEIZURES, AND DISTAL LIMB ANOMALIES. Last evaluated: 2017-05-03. Review status: no assertion criteria provided. Collection method: literature only. Allele origin: germline. Not counted in ClinVar's aggregate classification.

Literature cited by the submitters: PubMed 28343629 (cited by OMIM).